The following is an entry in ClinVar:

ClinVar aggregate classification (germline): Uncertain significance (1 of 4 stars; one submission).

Conditions:
Hereditary cancer-predisposing syndrome. Also called: Neoplastic Syndromes, Hereditary; Tumor predisposition; Hereditary Cancer Syndrome; Hereditary neoplastic syndrome. Identifiers: Orphanet 140162, MedGen C0027672, MeSH D009386, MONDO:0015356.

Submission:

Ambry Genetics
Classification: Uncertain significance for Hereditary cancer-predisposing syndrome. Last evaluated: 2022-10-04. Review status: criteria provided, single submitter. Criteria: Ambry Variant Classification Scheme 2023. Collection method: clinical testing. Allele origin: germline.
Comment: The p.L687I variant (also known as c.2059C>A), located in coding exon 15 of the APC gene, results from a C to A substitution at nucleotide position 2059. The leucine at codon 687 is replaced by isoleucine, an amino acid with highly similar properties. This amino acid position is conserved. In addition, in silico predictors for this gene do not accurately predict pathogenicity. Since supporting evidence is limited at this time, the clinical significance of this alteration remains unclear.

NM_000038.6(APC):c.2059C>A (p.Leu687Ile)

Gene: APC (APC regulator of Wnt signaling pathway; plus strand). Cytogenetic location: 5q22.2.
Variant type: single nucleotide variant.
Coding change: c.2059C>A on transcript NM_000038.6 (MANE Select); coding-DNA position 2059, C replaced by A.
Protein change: p.Leu687Ile; replaces leucine 687 with isoleucine.
Molecular consequence: missense variant.
Genome position (GRCh38, 1-based): chr5:112,837,653, C>A. VCF-style: chr5-112837653-C-A. GRCh37 (hg19) VCF-style: chr5-112173350-C-A.
Other names: c.2059C>A, p.Leu687Ile (NM_001127510.3, NM_001354895.2, NM_001407450.1); c.2005C>A, p.Leu669Ile (NM_001127511.3); c.2113C>A, p.Leu705Ile (NM_001354896.2, NM_001407447.1, NM_001407448.1 and 1 more transcripts); c.2089C>A, p.Leu697Ile (NM_001354897.2); c.1984C>A, p.Leu662Ile (NM_001354898.2); c.1975C>A, p.Leu659Ile (NM_001354899.2); c.1936C>A, p.Leu646Ile (NM_001354900.2); c.1882C>A, p.Leu628Ile (NM_001354901.2, NM_001407453.1); and 11 more; short protein forms L404I, L586I, L596I, L659I, L669I, L677I, L705I, L697I.
Identifiers: ClinVar variation 1785175 (VCV001785175.2), dbSNP rs2149859630, ClinGen allele CA16025825.